The following is an entry in ClinVar:

NM_000152.5(GAA):c.727G>A (p.Asp243Asn)

Gene: GAA (alpha glucosidase; plus strand). Cytogenetic location: 17q25.3.
Variant type: single nucleotide variant.
Coding change: c.727G>A on transcript NM_000152.5 (MANE Select); coding-DNA position 727, G replaced by A.
Protein change: p.Asp243Asn; replaces aspartic acid 243 with asparagine.
Molecular consequence: missense variant.
Genome position (GRCh38, 1-based): chr17:80,107,591, G>A. VCF-style: chr17-80107591-G-A. GRCh37 (hg19) VCF-style: chr17-78081390-G-A.
Other names: c.727G>A (LRG_673t1); c.727G>A, p.Asp243Asn (NM_001079803.3, NM_001079804.3); short protein forms D243N.
Identifiers: ClinVar variation 449871 (VCV000449871.1), dbSNP rs1555599600, ClinGen allele CA401363168.

ClinVar aggregate classification (germline): Likely pathogenic (1 of 4 stars; one submission).

gnomAD v4.1: 1 of 1,613,224 alleles (0.000062%); no homozygotes.

Submission:

GeneDx
Classification: Likely pathogenic. Last evaluated: 2017-08-08. Review status: criteria provided, single submitter. Criteria: GeneDx Variant Classification (06012015). Collection method: clinical testing. Allele origin: germline. Affected: yes.
Comment: The D243N variant has not been published as a pathogenic variant, nor has it been reported as a benign variant to our knowledge. The D243N variant is not observed in large population cohorts (Lek et al., 2016; 1000 Genomes Consortium et al., 2015; Exome Variant Server). The D243N variant is a semi-conservative amino acid substitution, which may impact secondary protein structure as these residues differ in some properties. This substitution occurs at a position that is conserved across species. In silico analysis predicts this variant is probably damaging to the protein structure/function. Missense variants in nearby residues (A237V, A242V, L248P) have been reported in the Human Gene Mutation Database in association with Pompe disease (Stenson et al., 2014), supporting the functional importance of this region of the protein. In summary, this variant is likely pathogenic; however, the possibility that it is benign cannot be excluded.